The following is an entry in ClinVar:

NM_001243133.2(NLRP3):c.203T>C (p.Met68Thr)

Gene: NLRP3 (NLR family pyrin domain containing 3; plus strand). Cytogenetic location: 1q44.
Variant type: single nucleotide variant.
Coding change: c.203T>C on transcript NM_001243133.2 (MANE Select); coding-DNA position 203, T replaced by C.
Protein change: p.Met68Thr; replaces methionine 68 with threonine.
Molecular consequence: missense variant.
Genome position (GRCh38, 1-based): chr1:247,419,003, T>C. VCF-style: chr1-247419003-T-C. GRCh37 (hg19) VCF-style: chr1-247582305-T-C.
Other names: p.Met70Thr; c.203T>C, p.Met68Thr (NM_001079821.3, NM_001127461.3, NM_001127462.3 and 1 more transcripts); c.209T>C, p.Met70Thr (NM_004895.5); short protein forms M70T, M68T.
Identifiers: ClinVar variation 296940 (VCV000296940.19), dbSNP rs147559626, ClinGen allele CA1494761.
Genomic context (GRCh38, chr1:247,419,003, plus strand): 5'-ACCATGTGGATCTAGCCACGCTAATGATCGACTTCAATGGGGAGGAGAAGGCGTGGGCCA[T>C]GGCCGTGTGGATCTTCGCTGCGATCAACAGGAGAGACCTTTATGAGAAAGCAAAAAGAGA-3'
Protein context (NP_001230062.1, residues 58-78): DFNGEEKAWA[Met68Thr]AVWIFAAINR

ClinVar aggregate classification (germline): Conflicting classifications of pathogenicity. Review status: criteria provided, conflicting classifications (1 of 4 stars). 9 submissions from 7 submitters: Uncertain significance (1); Benign (3); Likely benign (4). 1 of the submissions does not count toward it. Last evaluated 2026-01-17.

Conditions:
NLRP3-related disorder. Also called: NLRP3-Related Disorders; NLRP3-related condition.
Keratitis fugax hereditaria. Also called: KERATOENDOTHELIITIS FUGAX HEREDITARIA. Identifiers: Orphanet 647815, MedGen C1835697, MONDO:0007849, OMIM 148200.
Familial cold autoinflammatory syndrome 1 (FCAS1). Also called: CRYOPYRIN-ASSOCIATED PERIODIC SYNDROME 1; Familial cold inflammatory syndrome 1. Identifiers: Orphanet 47045, MedGen C4551895, MONDO:0007349, OMIM 120100.
Chronic infantile neurological, cutaneous and articular syndrome (CINCA). Also called: CHRONIC NEUROLOGIC CUTANEOUS AND ARTICULAR SYNDROME; CRYOPYRIN-ASSOCIATED PERIODIC SYNDROME 3; CINCA syndrome; Prieur Griscelli syndrome. Identifiers: Orphanet 1451, MedGen C0409818, MONDO:0011776, OMIM 607115.
Familial amyloid nephropathy with urticaria AND deafness (MWS). Also called: Urticaria, deafness and amyloidosis; CRYOPYRIN-ASSOCIATED PERIODIC SYNDROME 2; UDA SYNDROME; URTICARIA-DEAFNESS-AMYLOIDOSIS SYNDROME; MUCKLE-WELLS SYNDROME. Identifiers: Orphanet 575, MedGen C0268390, MONDO:0008633, OMIM 191900.
Hearing loss, autosomal dominant 34, with or without inflammation. Also called: DEAFNESS, AUTOSOMAL DOMINANT 34, WITH OR WITHOUT INFLAMMATION. Identifiers: MedGen C4521680, MONDO:0033261, OMIM 617772.
Cryopyrin associated periodic syndrome (CAPS). Identifiers: Orphanet 208650, MedGen C2316212, MONDO:0016168.

Allele frequency attached by ClinVar (database versions not stated): gnomAD exomes 0.00006 and 0.00012; ExAC 0.00012; gnomAD 0.00044 and 0.00048; 1000 Genomes Project 30x 0.00047; 1000 Genomes Project 0.00060; TOPMed 0.00061; ESP Exome Variant Server 0.00123.

Submissions (9):

Labcorp Genetics (formerly Invitae), Labcorp
Classification: Likely benign for Cryopyrin associated periodic syndrome. Last evaluated: 2026-01-17. Review status: criteria provided, single submitter. Criteria: Invitae Variant Classification Sherloc (09022015). Collection method: clinical testing. Allele origin: germline.

Women's Health and Genetics/Laboratory Corporation of America, LabCorp
Classification: Likely benign. Last evaluated: 2025-03-21. Review status: criteria provided, single submitter. Criteria: LabCorp Variant Classification Summary - May 2015. Collection method: clinical testing. Allele origin: germline.

Blueprint Genetics
Classification: Likely benign. Last evaluated: 2024-09-13. Review status: criteria provided, single submitter. Criteria: ACMG Guidelines, 2015. Collection method: clinical testing. Allele origin: germline.

Mayo Clinic Laboratories, Mayo Clinic
Classification: Uncertain significance. Last evaluated: 2024-06-24. Review status: criteria provided, single submitter. Criteria: ACMG Guidelines, 2015. Collection method: clinical testing. Allele origin: germline. Observed: 1 variant allele.

Fulgent Genetics
Classification: Likely benign for Familial cold autoinflammatory syndrome 1; Keratitis fugax hereditaria; Familial amyloid nephropathy with urticaria AND deafness; Chronic infantile neurological, cutaneous and articular syndrome; Hearing loss, autosomal dominant 34, with or without inflammation. Last evaluated: 2021-07-12. Review status: criteria provided, single submitter. Criteria: ACMG Guidelines, 2015. Collection method: clinical testing. Allele origin: unknown.

Illumina Laboratory Services, Illumina
Classification: Benign for Chronic infantile neurological, cutaneous and articular syndrome. Last evaluated: 2018-01-13. Review status: criteria provided, single submitter. Criteria: ICSL Variant Classification Criteria 13 December 2019. Collection method: clinical testing. Allele origin: germline.
Comment: This variant was observed in the ICSL laboratory as part of a predisposition screen in an ostensibly healthy population. It had not been previously curated by ICSL or reported in the Human Gene Mutation Database (HGMD: prior to June 1st, 2018), and was therefore a candidate for classification through an automated scoring system. Utilizing variant allele frequency, disease prevalence and penetrance estimates, and inheritance mode, an automated score was calculated to assess if this variant is too frequent to cause the disease. Based on the score and internal cut-off values, a variant classified as benign is not then subjected to further curation. The score for this variant resulted in a classification of benign for this disease.

Illumina Laboratory Services, Illumina
Classification: Benign for Familial amyloid nephropathy with urticaria AND deafness. Last evaluated: 2018-01-13. Review status: criteria provided, single submitter. Criteria: ICSL Variant Classification Criteria 13 December 2019. Collection method: clinical testing. Allele origin: germline.
Comment: the same text as in the submission from Illumina Laboratory Services, Illumina above.

Illumina Laboratory Services, Illumina
Classification: Benign for Familial cold autoinflammatory syndrome 1. Last evaluated: 2018-01-13. Review status: criteria provided, single submitter. Criteria: ICSL Variant Classification Criteria 13 December 2019. Collection method: clinical testing. Allele origin: germline.
Comment: the same text as in the submission from Illumina Laboratory Services, Illumina above.

PreventionGenetics, part of Exact Sciences
Classification: Likely benign for NLRP3-related condition. Last evaluated: 2023-10-02. Review status: no assertion criteria provided. Collection method: clinical testing. Allele origin: germline. Not counted in ClinVar's aggregate classification.
Comment: This variant is classified as likely benign based on ACMG/AMP sequence variant interpretation guidelines (Richards et al. 2015 PMID: 25741868, with internal and published modifications).